The following is an entry in ClinVar:

NM_001039141.3(TRIOBP):c.7054G>A (p.Ala2352Thr)

Gene: TRIOBP (TRIO and F-actin binding protein; plus strand). Cytogenetic location: 22q13.1.
Variant type: single nucleotide variant.
Coding change: c.7054G>A on transcript NM_001039141.3 (MANE Select); coding-DNA position 7054, G replaced by A.
Protein change: p.Ala2352Thr; replaces alanine 2352 with threonine.
Molecular consequence: missense variant.
Genome position (GRCh38, 1-based): chr22:37,772,718, G>A. VCF-style: chr22-37772718-G-A. GRCh37 (hg19) VCF-style: chr22-38168725-G-A.
Other names: p.Ala2352Thr; c.7054G>A (NM_001039141.2); c.1915G>A, p.Ala639Thr (NM_007032.5); short protein forms A2352T, A639T.
Identifiers: ClinVar variation 1402478 (VCV001402478.9), dbSNP rs377754533, ClinGen allele CA10225332.
Genomic context (GRCh38, chr22:37,772,718, plus strand): 5'-AAGACACGGTCTGAGCGGGAGATCGAGCAGCTGAAGGAGCACCTGCGTCTTGCCATGGCC[G>A]CCCTCCAGGAGAAGGAGTCGATGCGCAACAGCCTGGCTGAGTAGAGGTGGATGCCGAGGC-3'
Protein context (NP_001034230.1, residues 2342-2362): LKEHLRLAMA[Ala2352Thr]LQEKESMRNS

ClinVar aggregate classification (germline): Uncertain significance. Review status: criteria provided, multiple submitters, no conflicts (2 of 4 stars). 4 submissions from 4 submitters: Uncertain significance (4). Last evaluated 2026-03-17.

Allele frequency attached by ClinVar (database versions not stated): ESP Exome Variant Server 0.00008; gnomAD 0.00001; TOPMed 0.00003.
gnomAD v4.1: 29 of 1,613,880 alleles (0.0018%); highest among the groups gnomAD compares: South Asian, 0.0033%; no homozygotes.

Submissions (4):

GeneDx
Classification: Uncertain significance. Last evaluated: 2026-03-17. Review status: criteria provided, single submitter. Criteria: GeneDx Variant Classification Process June 2021. Collection method: clinical testing. Allele origin: germline.
Comment: Not observed at significant frequency in large population cohorts (gnomAD); In silico analysis supports that this missense variant has a deleterious effect on protein structure/function; Has not been previously published as pathogenic or benign to our knowledge

Blueprint Genetics
Classification: Uncertain significance. Last evaluated: 2024-03-20. Review status: criteria provided, single submitter. Criteria: ACMG Guidelines, 2015. Collection method: clinical testing. Allele origin: germline.

Mayo Clinic Laboratories, Mayo Clinic
Classification: Uncertain significance. Last evaluated: 2022-04-04. Review status: criteria provided, single submitter. Criteria: ACMG Guidelines, 2015. Collection method: clinical testing. Allele origin: germline. Observed: 1 variant allele.
Comment: PM2

Labcorp Genetics (formerly Invitae), Labcorp
Classification: Uncertain significance. Last evaluated: 2021-11-26. Review status: criteria provided, single submitter. Criteria: Invitae Variant Classification Sherloc (09022015). Collection method: clinical testing. Allele origin: germline.
Comment: This sequence change replaces alanine, which is neutral and non-polar, with threonine, which is neutral and polar, at codon 2352 of the TRIOBP protein (p.Ala2352Thr). This variant is present in population databases (rs377754533, gnomAD 0.006%). This variant has not been reported in the literature in individuals affected with TRIOBP-related conditions. Algorithms developed to predict the effect of missense changes on protein structure and function are either unavailable or do not agree on the potential impact of this missense change (SIFT: "Deleterious"; PolyPhen-2: "Probably Damaging"; Align-GVGD: "Class C0"). In summary, the available evidence is currently insufficient to determine the role of this variant in disease. Therefore, it has been classified as a Variant of Uncertain Significance.